The following is an entry in ClinVar:

ClinVar aggregate classification (germline): Pathogenic (1 of 4 stars; one submission).

Conditions:
Polycystic liver disease 1 (PCLD1). Also called: Polycystic liver disease 1 with or without kidney cysts. Identifiers: Orphanet 2924, MedGen C0887850, MONDO:0008265, OMIM 174050.

Submission:

Victorian Clinical Genetics Services, Murdoch Childrens Research Institute
Classification: Pathogenic for Polycystic liver disease 1. Last evaluated: 2024-11-18. Review status: criteria provided, single submitter. Criteria: ACMG Guidelines, 2015. Collection method: clinical testing. Allele origin: germline. Affected: yes.
Comment: This variant is classified as Pathogenic. Evidence in support of pathogenic classification: Variant is predicted to cause nonsense-mediated decay (NMD) and loss of protein (premature termination codon is located at least 54 nucleotides upstream of the final exon-exon junction); Variant is present in gnomAD <0.001 for a dominant condition (v4: 2 heterozygote(s), 0 homozygote(s)); Other NMD-predicted variants comparable to the one identified in this case have very strong previous evidence for pathogenicity (DECIPHER). Additional information: This variant is heterozygous; This gene is associated with autosomal dominant disease; Loss of function is a known mechanism of disease in this gene and is associated with polycystic liver disease 1 (MIM#174050); Inheritance information for this variant is not currently available in this individual.

NM_001289104.2(PRKCSH):c.668del (p.Asp223fs)

Gene: PRKCSH (PRKCSH beta subunit of glucosidase II; plus strand). Cytogenetic location: 19p13.2.
Variant type: Deletion.
Coding change: c.668del on transcript NM_001289104.2 (MANE Select); coding-DNA position 668, one base deleted (A; older notation c.668delA).
Protein change: p.Asp223fs; shifts the reading frame from aspartic acid 223.
Molecular consequence: frameshift variant.
Genome position (GRCh38, 1-based): chr19:11,445,458, A deleted. VCF-style (leftmost placement, unchanged base first): chr19-11445457-GA-G. GRCh37 (hg19) VCF-style: chr19-11556272-GA-G.
Other names: c.668del, p.Asp223fs (NM_001001329.3, NM_001289102.2, NM_001289103.2 and 3 more transcripts); short protein forms D223fs.
Identifiers: ClinVar variation 4531704 (VCV004531704.1).